The following is an entry in ClinVar:

NM_001267550.2(TTN):c.97606G>T (p.Val32536Leu)

Genes: TTN (titin; minus strand), TTN-AS1 (TTN antisense RNA 1; plus strand). Cytogenetic location: 2q31.2.
Variant type: single nucleotide variant.
Coding change: c.97606G>T on transcript NM_001267550.2 (MANE Select); coding-DNA position 97606, G replaced by T.
Protein change: p.Val32536Leu; replaces valine 32536 with leucine.
Molecular consequence: missense variant.
Genome position (GRCh38, 1-based): chr2:178,541,471, C>A on the plus strand (G>T on the coding strand, the complement: TTN is on the minus strand). VCF-style: chr2-178541471-C-A. GRCh37 (hg19) VCF-style: chr2-179406198-C-A.
Other names: p.V30895L:GTG>TTG; c.92683G>T, p.Val30895Leu (NM_001256850.1); c.70411G>T, p.Val23471Leu (NM_003319.4); c.89902G>T, p.Val29968Leu (NM_133378.4); c.70786G>T, p.Val23596Leu (NM_133432.3); c.70987G>T, p.Val23663Leu (NM_133437.4); short protein forms V30895L, V32536L, V23471L, V23663L, V29968L, V23596L.
Identifiers: ClinVar variation 203032 (VCV000203032.2), dbSNP rs794729546, ClinGen allele CA311034.

ClinVar aggregate classification (germline): Uncertain significance (1 of 4 stars; one submission).

Submission:

GeneDx
Classification: Uncertain significance. Last evaluated: 2014-01-10. Review status: criteria provided, single submitter. Criteria: GeneDx Variant Classification (06012015). Collection method: clinical testing. Allele origin: germline. Affected: yes.
Comment: Missense variants in the TTN gene are considered 'unclassified' if they are not previously reported in the literature and do not have >1% frequency in the population to be considered a polymorphism. Research indicates that truncating mutations in the TTN gene are expected to account for approximately 25% of familial and 18% of sporadic idiopathic DCM; however, truncating variants in the TTN gene have been reported in approximately 3% of reported control alleles. There has been little investigation into non-truncating variants. (Herman D et al. Truncations of titin causing dilated cardiomyopathy. N Eng J Med 366:619-628, 2012) The variant is found in DCM-CRDM panel(s).